The following is an entry in ClinVar:

NM_032607.3(CREB3L3):c.83T>G (p.Leu28Arg)

Gene: CREB3L3 (cAMP responsive element binding protein 3 like 3; plus strand). Cytogenetic location: 19p13.3.
Variant type: single nucleotide variant.
Coding change: c.83T>G on transcript NM_032607.3 (MANE Select); coding-DNA position 83, T replaced by G.
Protein change: p.Leu28Arg; replaces leucine 28 with arginine.
Molecular consequence: missense variant.
Genome position (GRCh38, 1-based): chr19:4,154,954, T>G. VCF-style: chr19-4154954-T-G. GRCh37 (hg19) VCF-style: chr19-4154951-T-G.
Other names: c.83T>G, p.Leu28Arg (NM_001271996.2, NM_001271997.2, NM_001271995.2); c.83T>G (NM_032607.1); short protein forms L28R.
Identifiers: ClinVar variation 2976325 (VCV002976325.4), dbSNP rs368774801, ClinGen allele CA9091192.
Genomic context (GRCh38, chr19:4,154,954, plus strand): 5'-CCCAGATGGCTTCTGCTGCCTGCTCCATGGACCCCATCGACAGCTTTGAGCTCCTGGATC[T>G]CCTGTTTGACCGGCAGGACGGCATCCTGAGACACGTGGAGCTGGGCGAGGGCTGGGGTCA-3'
Protein context (NP_115996.1, residues 18-38): DPIDSFELLD[Leu28Arg]LFDRQDGILR

ClinVar aggregate classification (germline): Uncertain significance. Review status: criteria provided, multiple submitters, no conflicts (2 of 4 stars). 2 submissions from 2 submitters: Uncertain significance (2). Last evaluated 2024-12-30.

Allele frequency attached by ClinVar (database versions not stated): gnomAD exomes below 0.00001; ExAC 0.00002; gnomAD 0.00004; TOPMed 0.00005; ESP Exome Variant Server 0.00008.
gnomAD v4.1: 10 of 1,613,422 alleles (0.00062%); highest among the groups gnomAD compares: African/African-American, 0.013%; no homozygotes.

Submissions (2):

Ambry Genetics
Classification: Uncertain significance. Last evaluated: 2024-12-30. Review status: criteria provided, single submitter. Criteria: Ambry Variant Classification Scheme 2023. Collection method: clinical testing. Allele origin: germline.

Labcorp Genetics (formerly Invitae), Labcorp
Classification: Uncertain significance. Last evaluated: 2023-01-02. Review status: criteria provided, single submitter. Criteria: Invitae Variant Classification Sherloc (09022015). Collection method: clinical testing. Allele origin: germline.
Comment: This variant has not been reported in the literature in individuals affected with CREB3L3-related conditions. In summary, the available evidence is currently insufficient to determine the role of this variant in disease. Therefore, it has been classified as a Variant of Uncertain Significance. Algorithms developed to predict the effect of missense changes on protein structure and function are either unavailable or do not agree on the potential impact of this missense change (SIFT: "Deleterious"; PolyPhen-2: "Probably Damaging"; Align-GVGD: "Class C0"). This variant is present in population databases (rs368774801, gnomAD 0.01%). This sequence change replaces leucine, which is neutral and non-polar, with arginine, which is basic and polar, at codon 28 of the CREB3L3 protein (p.Leu28Arg).